The following is an entry in ClinVar:

NM_000018.4(ACADVL):c.541dup (p.His181fs)

Gene: ACADVL (acyl-CoA dehydrogenase very long chain; plus strand). Cytogenetic location: 17p13.1.
Variant type: Duplication.
Coding change: c.541dup on transcript NM_000018.4 (MANE Select); coding-DNA position 541, one base duplicated (C; older notation c.541dupC).
Protein change: p.His181fs; shifts the reading frame from histidine 181.
Molecular consequence: frameshift variant.
Genome position (GRCh38, 1-based): chr17:7,221,601, C duplicated; the last of 3 consecutive C bases (chr17:7,221,599-7,221,601); duplicating any one gives the same sequence. VCF-style (leftmost placement, unchanged base first): chr17-7221598-G-GC. GRCh37 (hg19) VCF-style: chr17-7124917-G-GC.
Other names: NM_000018.4(ACADVL):c.541dup; p.His181fs; c.475dup, p.His159fs (NM_001033859.3); c.610dup, p.His204fs (NM_001270447.2); c.313dup, p.His105fs (NM_001270448.2); short protein forms H105fs, H159fs, H181fs, H204fs.
Identifiers: ClinVar variation 932736 (VCV000932736.4), dbSNP rs1337636757, ClinGen allele CA397723118.

ClinVar aggregate classification (germline): Pathogenic. Review status: reviewed by expert panel (3 of 4 stars). 2 submissions from 2 submitters: Pathogenic (1). 1 of the submissions does not count toward it. Last evaluated 2022-03-08.

Conditions:
Very long chain acyl-CoA dehydrogenase deficiency (ACADVLD). Also called: Very Long-Chain Acyl-Coenzyme A Dehydrogenase Deficiency; VLCAD Deficiency. Identifiers: Orphanet 26793, MedGen C3887523, MONDO:0008723, OMIM 201475.

Submissions (2):

ClinGen ACADVL Variant Curation Expert Panel, ClinGen
Classification: Pathogenic for Very long chain acyl-CoA dehydrogenase deficiency. Last evaluated: 2022-03-08. Review status: reviewed by expert panel. Criteria: clingen acadvl acmg specifications v1. Collection method: curation. Allele origin: germline. Inheritance: Autosomal recessive inheritance.
Comment: The c.541dup (p.His181fs)variant in ACADVL is a frameshift variant predicted to cause a premature stop codon in biologically-relevant-exon 9/20 leading to nonsense mediated decay in a gene in which loss-of-function is an established disease mechanism (PVS1; PMIDs 9973285, 11590124). At least one patient with this variant displayed enzyme activity levels measured in lymphocytes of 6% of control values, which is highly specific for VLCAD deficiency (PP4_moderate, PMID 32463482). This variant is absent from gnomAD v2.1.1 (PM2_Supporting). In summary, this variant meets the criteria to be classified as pathogenic for autosomal recessive very long chain acyl-CoA dehydrogenase (VLCAD) deficiency based on the ACMG/AMP criteria applied, as specified by the ClinGen ACADVL Variant Curation Expert Panel: PVS1, PP4_moderate, PM2_supporting. VCEP specifications version2; 10/15/21.

Wong Mito Lab, Molecular and Human Genetics, Baylor College of Medicine
Classification: Pathogenic for Very long chain acyl-CoA dehydrogenase deficiency. Last evaluated: 2019-11-01. Review status: criteria provided, single submitter. Criteria: ACMG Guidelines, 2015. Collection method: clinical testing. Allele origin: germline. Not counted in ClinVar's aggregate classification.
Comment: The NM_000018.3:c.541dupC (NP_000009.1:p.His181ProfsTer72) [GRCH38: NC_000017.11:g.7221601dup] variant in ACADVL gene is interpretated to be Pathogenic based on ACMG guidelines (PMID: 25741868). This variant has been reported. This variant meets the following evidence codes reported in the ACMG guidelines: PVS1, PS3